The following is an entry in ClinVar:

ClinVar aggregate classification (germline): Likely benign (1 of 4 stars; one submission).

gnomAD v4.1: 19 of 1,613,614 alleles (0.0012%); highest among the groups gnomAD compares: Non-Finnish European, 0.0016%; no homozygotes.

Submission:

CeGaT Center for Human Genetics Tuebingen
Classification: Likely benign. Last evaluated: 2026-01-01. Review status: criteria provided, single submitter. Criteria: CeGaT Center For Human Genetics Tuebingen Variant Classification Criteria Version 2. Collection method: clinical testing. Allele origin: germline. Affected: yes. Observed: 1 variant allele.
Comment: LRRC32: BP4, BP7

NM_001128922.2(LRRC32):c.1746A>T (p.Ala582=)

Genes: LRRC32 (leucine rich repeat containing 32; minus strand), LRRC32-AS1 (LRRC32 antisense RNA 1; plus strand). Cytogenetic location: 11q13.5.
Variant type: single nucleotide variant.
Coding change: c.1746A>T on transcript NM_001128922.2 (MANE Select); coding-DNA position 1746, A replaced by T.
Protein change: p.Ala582=; no amino-acid change (alanine 582 retained).
Molecular consequence: synonymous variant. On other transcripts: non-coding transcript variant (1), intron variant (1).
Genome position (GRCh38, 1-based): chr11:76,659,847, T>A on the plus strand (A>T on the coding strand, the complement: LRRC32 is on the minus strand). VCF-style: chr11-76659847-T-A. GRCh37 (hg19) VCF-style: chr11-76370891-T-A.
Other names: c.1746A>T, p.Ala582= (NM_001370187.1, NM_001370188.1, NM_005512.3); c.1680A>T, p.Ala560= (NM_001370189.1); c.1416A>T, p.Ala472= (NM_001370190.1); c.85-1813A>T (NM_001370191.1).
Identifiers: ClinVar variation 4821982 (VCV004821982.4).